The following is an entry in ClinVar:

ClinVar aggregate classification (germline): Uncertain significance (1 of 4 stars; one submission).

Submission:

GeneDx
Classification: Uncertain significance. Last evaluated: 2022-11-28. Review status: criteria provided, single submitter. Criteria: GeneDx Variant Classification Process June 2021. Collection method: clinical testing. Allele origin: germline. Affected: yes.
Comment: Not observed at significant frequency in large population cohorts (gnomAD); In silico analysis supports that this missense variant has a deleterious effect on protein structure/function; Has not been previously published as pathogenic or benign to our knowledge

NM_015335.5(MED13L):c.5687T>A (p.Val1896Asp)

Gene: MED13L (mediator complex subunit 13L; minus strand). Cytogenetic location: 12q24.21.
Variant type: single nucleotide variant.
Coding change: c.5687T>A on transcript NM_015335.5 (MANE Select); coding-DNA position 5687, T replaced by A.
Protein change: p.Val1896Asp; replaces valine 1896 with aspartic acid.
Molecular consequence: missense variant.
Genome position (GRCh38, 1-based): chr12:115,975,215, A>T on the plus strand (T>A on the coding strand, the complement: MED13L is on the minus strand). VCF-style: chr12-115975215-A-T. GRCh37 (hg19) VCF-style: chr12-116413020-A-T.
Other names: short protein forms V1896D.
Identifiers: ClinVar variation 2503204 (VCV002503204.1), dbSNP rs2499797061, ClinGen allele CA386878214.